The following is an entry in ClinVar:

NM_001048174.2(MUTYH):c.365C>G (p.Thr122Ser)

Gene: MUTYH (mutY DNA glycosylase; minus strand). Cytogenetic location: 1p34.1.
Variant type: single nucleotide variant.
Coding change: c.365C>G on transcript NM_001048174.2 (MANE Select); coding-DNA position 365, C replaced by G.
Protein change: p.Thr122Ser; replaces threonine 122 with serine.
Molecular consequence: missense variant. On other transcripts: intron variant (3), non-coding transcript variant (6).
Genome position (GRCh38, 1-based): chr1:45,333,110, G>C on the plus strand (C>G on the coding strand, the complement: MUTYH is on the minus strand). VCF-style: chr1-45333110-G-C. GRCh37 (hg19) VCF-style: chr1-45798782-G-C.
Other names: c.365C>G, p.Thr122Ser (NM_001048171.2, NM_001048173.2, NM_001293195.2 and 6 more transcripts); c.368C>G, p.Thr123Ser (NM_001048172.2, NM_001407071.1, NM_001407078.1 and 2 more transcripts); c.449C>G, p.Thr150Ser (NM_001128425.2); c.410C>G, p.Thr137Ser (NM_001293190.2); c.398C>G, p.Thr133Ser (NM_001293191.2, NM_001407077.1); c.89C>G, p.Thr30Ser (NM_001293192.2, NM_001293196.2, NM_001407091.1); c.440C>G, p.Thr147Ser (NM_001407069.1, NM_012222.3); c.407C>G, p.Thr136Ser (NM_001407073.1, NM_001407083.1, NM_001407085.1); and 3 more; short protein forms T136S, T122S, T123S, T129S, T137S, T147S, T30S, T133S.
Identifiers: ClinVar variation 4113668 (VCV004113668.1).

ClinVar aggregate classification (germline): Uncertain significance (1 of 4 stars; one submission).

Conditions:
Hereditary cancer-predisposing syndrome. Also called: Hereditary neoplastic syndrome; Neoplastic Syndromes, Hereditary; Tumor predisposition; Hereditary Cancer Syndrome. Identifiers: Orphanet 140162, MedGen C0027672, MeSH D009386, MONDO:0015356.

Submission:

Ambry Genetics
Classification: Uncertain significance for Hereditary cancer-predisposing syndrome. Last evaluated: 2025-08-27. Review status: criteria provided, single submitter. Criteria: Ambry Variant Classification Scheme 2023. Collection method: clinical testing. Allele origin: germline.
Comment: The p.T150S variant (also known as c.449C>G), located in coding exon 5 of the MUTYH gene, results from a C to G substitution at nucleotide position 449. The threonine at codon 150 is replaced by serine, an amino acid with similar properties. This amino acid position is conserved. In addition, this alteration is predicted to be tolerated by in silico analysis. Based on the available evidence, the clinical significance of this variant remains unclear.